The following is an entry in ClinVar:

ClinVar aggregate classification (germline): Pathogenic (1 of 4 stars; one submission).

Conditions:
Marfan syndrome (MFS). Also called: MARFAN SYNDROME, TYPE I; Marfan syndrome type 1; Marfan's syndrome; Marfan syndrome, classic; FBN1-Related Marfan Syndrome. Identifiers: Orphanet 284963, Orphanet 558, MedGen C0024796, MONDO:0007947, OMIM 154700.
Familial thoracic aortic aneurysm and aortic dissection (TAAD). Also called: Thoracic aortic aneurysms and dissections. Identifiers: Orphanet 91387, MedGen C4707243, MONDO:0019625.

Submission:

Labcorp Genetics (formerly Invitae), Labcorp
Classification: Pathogenic for Marfan syndrome; Familial thoracic aortic aneurysm and aortic dissection. Last evaluated: 2022-08-16. Review status: criteria provided, single submitter. Criteria: Invitae Variant Classification Sherloc (09022015). Collection method: clinical testing. Allele origin: germline.
Comment: This sequence change creates a premature translational stop signal (p.Glu1273Lysfs*3) in the FBN1 gene. It is expected to result in an absent or disrupted protein product. Loss-of-function variants in FBN1 are known to be pathogenic (PMID: 17657824, 19293843). For these reasons, this variant has been classified as Pathogenic. ClinVar contains an entry for this variant (Variation ID: 1453066). This variant has not been reported in the literature in individuals affected with FBN1-related conditions. This variant is not present in population databases (gnomAD no frequency).

Literature cited by the submitters: PubMed 17657824; PubMed 19293843.

NM_000138.5(FBN1):c.3816del (p.Glu1273fs)

Gene: FBN1 (fibrillin 1; minus strand). Cytogenetic location: 15q21.1.
Variant type: Deletion.
Coding change: c.3816del on transcript NM_000138.5 (MANE Select); coding-DNA position 3816, one base deleted (T; older notation c.3816delT).
Protein change: p.Glu1273fs; shifts the reading frame from glutamic acid 1273.
Molecular consequence: frameshift variant.
Genome position (GRCh38, 1-based): chr15:48,483,840, A deleted on the plus strand (T on the coding strand, the reverse complement: FBN1 is on the minus strand). VCF-style (leftmost placement, unchanged base first): chr15-48483839-CA-C. GRCh37 (hg19) VCF-style: chr15-48776036-CA-C.
Other names: short protein forms E1273fs.
Identifiers: ClinVar variation 1453066 (VCV001453066.6), dbSNP rs2141289577, ClinGen allele CA2573150789.
Genomic context (GRCh38, chr15:48,483,839, plus strand): 5'-TAACAAGACAAGATGAAAAATTCTGTCTTCTTTGCTTACCTACACAAGTCTTCATGTCTT[CA>C]GATGCCATGAATCCATCATAACACAAGCACCTGTACTCTCCAGGGATATTTGTGCACTGA-3'